The following is an entry in ClinVar:

NM_004415.4(DSP):c.2743A>T (p.Met915Leu)

Gene: DSP (desmoplakin; plus strand). Cytogenetic location: 6p24.3.
Variant type: single nucleotide variant.
Coding change: c.2743A>T on transcript NM_004415.4 (MANE Select); coding-DNA position 2743, A replaced by T.
Protein change: p.Met915Leu; replaces methionine 915 with leucine.
Molecular consequence: missense variant.
Genome position (GRCh38, 1-based): chr6:7,576,406, A>T. VCF-style: chr6-7576406-A-T. GRCh37 (hg19) VCF-style: chr6-7576639-A-T.
Other names: c.2743A>T, p.Met915Leu (NM_001008844.3, NM_001319034.2); short protein forms M915L.
Identifiers: ClinVar variation 919349 (VCV000919349.6), dbSNP rs1317345069, ClinGen allele CA362682030.

ClinVar aggregate classification (germline): Conflicting classifications of pathogenicity. Review status: criteria provided, conflicting classifications (1 of 4 stars). 2 submissions from 2 submitters: Uncertain significance (1); Likely benign (1). Last evaluated 2025-06-24.

Conditions:
Cardiomyopathy (CMYO). Also called: Cardiomyopathies. Identifiers: Orphanet 167848, MedGen C0878544, MONDO:0004994, HP:0001638. Inheritance: Various modes of inheritance.
Arrhythmogenic cardiomyopathy with wooly hair and keratoderma. Also called: PALMOPLANTAR KERATODERMA WITH LEFT VENTRICULAR CARDIOMYOPATHY AND WOOLLY HAIR; Carvajal syndrome; Dilated cardiomyopathy with woolly hair and keratoderma; Arrhythmogenic cardiomyopathy with woolly hair and keratoderma. Identifiers: Orphanet 65282, MedGen C1854063, MONDO:0011581, OMIM 605676.
Arrhythmogenic right ventricular dysplasia 8 (ARVD8). Also called: Arrhythmogenic Right Ventricular Dysplasia/Cardiomyopathy 8; ARRHYTHMOGENIC RIGHT VENTRICULAR DYSPLASIA, FAMILIAL, 8; ARRHYTHMOGENIC RIGHT VENTRICULAR CARDIOMYOPATHY 8. Identifiers: MedGen C1843896, MONDO:0011831, OMIM 607450.

Allele frequency attached by ClinVar (database versions not stated): gnomAD exomes below 0.00001.

Submissions (2):

Labcorp Genetics (formerly Invitae), Labcorp
Classification: Likely benign for Arrhythmogenic cardiomyopathy with wooly hair and keratoderma; Arrhythmogenic right ventricular dysplasia 8. Last evaluated: 2025-06-24. Review status: criteria provided, single submitter. Criteria: Invitae Variant Classification Sherloc (09022015). Collection method: clinical testing. Allele origin: germline.

Color Diagnostics, LLC DBA Color Health
Classification: Uncertain significance for Cardiomyopathy. Last evaluated: 2023-12-05. Review status: criteria provided, single submitter. Criteria: ACMG Guidelines, 2015. Collection method: clinical testing. Allele origin: germline.
Comment: This missense variant replaces methionine with leucine at codon 915 of the DSP protein. Computational prediction tools and conservation analyses are inconclusive regarding the impact of this variant on the protein function. Computational splicing tools suggest that this variant may not impact RNA splicing. To our knowledge, functional assays have not been performed for this variant nor has this variant been reported in individuals affected with cardiovascular disorders in the literature. This variant has been identified in 1/251344 chromosomes in the general population by the Genome Aggregation Database (gnomAD). Available evidence is insufficient to determine the role of this variant in disease conclusively. Therefore, this variant is classified as a Variant of Uncertain Significance.